The following is an entry in ClinVar:

NM_001036.6(RYR3):c.2695A>G (p.Lys899Glu)

Gene: RYR3 (ryanodine receptor 3; plus strand). Cytogenetic location: 15q14.
Variant type: single nucleotide variant.
Coding change: c.2695A>G on transcript NM_001036.6 (MANE Select); coding-DNA position 2695, A replaced by G.
Protein change: p.Lys899Glu; replaces lysine 899 with glutamic acid.
Molecular consequence: missense variant.
Genome position (GRCh38, 1-based): chr15:33,629,955, A>G. VCF-style: chr15-33629955-A-G. GRCh37 (hg19) VCF-style: chr15-33922156-A-G.
Other names: c.2695A>G, p.Lys899Glu (NM_001243996.4); short protein forms K899E.
Identifiers: ClinVar variation 1396215 (VCV001396215.9), dbSNP rs200236669, ClinGen allele CA7458514.

ClinVar aggregate classification (germline): Uncertain significance (1 of 4 stars; one submission).

Conditions:
Epileptic encephalopathy. Identifiers: MedGen C0543888, HP:0200134.

Allele frequency attached by ClinVar (database versions not stated): gnomAD 0.00001; gnomAD exomes 0.00001 and 0.00002; TOPMed 0.00001; ExAC 0.00003; 1000 Genomes Project 30x 0.00016; 1000 Genomes Project 0.00020.
gnomAD v4.1: 26 of 1,600,754 alleles (0.0016%); highest among the groups gnomAD compares: Non-Finnish European, 0.0021%; no homozygotes.

Submission:

Labcorp Genetics (formerly Invitae), Labcorp
Classification: Uncertain significance for Epileptic encephalopathy. Last evaluated: 2022-10-13. Review status: criteria provided, single submitter. Criteria: Invitae Variant Classification Sherloc (09022015). Collection method: clinical testing. Allele origin: germline.
Comment: In summary, the available evidence is currently insufficient to determine the role of this variant in disease. Therefore, it has been classified as a Variant of Uncertain Significance. Algorithms developed to predict the effect of missense changes on protein structure and function (SIFT, PolyPhen-2, Align-GVGD) all suggest that this variant is likely to be disruptive. ClinVar contains an entry for this variant (Variation ID: 1396215). This variant has not been reported in the literature in individuals affected with RYR3-related conditions. The frequency data for this variant in the population databases is considered unreliable, as metrics indicate poor data quality at this position in the gnomAD database. This sequence change replaces lysine, which is basic and polar, with glutamic acid, which is acidic and polar, at codon 899 of the RYR3 protein (p.Lys899Glu).